The following is an entry in ClinVar:

ClinVar aggregate classification (germline): Uncertain significance (1 of 4 stars; one submission).

Submission:

ISCA site 4
Classification: Uncertain significance. Last evaluated: 2011-08-12. Review status: criteria provided, single submitter. Criteria: Kaminsky et al. (Genet Med. 2011). Collection method: clinical testing. Allele origin: unknown. Affected: yes. Observed: 1 variant allele.
Comment: Copy number variation identified through the course of routine clinical cytogenomic testing in postnatal populations. Clinical assertions have been curated as described in Kaminsky et al. 2011.

GRCh38/hg38 3p26.3(chr3:996747-1824012)x3

Genes: CNTN6 (contactin 6; plus strand), LOC107522035 (meiotic recombination hotspot S; plus strand), LOC122889017 (Sharpr-MPRA regulatory region 9777; plus strand), LOC126806587 (BRD4-independent group 4 enhancer GRCh37_chr3:1277185-1278384; plus strand). Cytogenetic location: 3p26.3.
Variant type: copy number gain.
Change: copy number 3 (three copies instead of two) of chr3:996,747-1,824,012 (827.3 kb, GRCh38 coordinates, 1-based), cytogenetic band 3p26.3.
Identifiers: ClinVar variation 57662 (VCV000057662.1).